The following is an entry in ClinVar:

ClinVar aggregate classification (germline): Uncertain significance (1 of 4 stars; one submission).

Conditions:
Hereditary cancer-predisposing syndrome. Also called: Neoplastic Syndromes, Hereditary; Tumor predisposition; Hereditary Cancer Syndrome; Hereditary neoplastic syndrome. Identifiers: Orphanet 140162, MedGen C0027672, MeSH D009386, MONDO:0015356.

Submission:

Labcorp Genetics (formerly Invitae), Labcorp
Classification: Uncertain significance for Hereditary cancer-predisposing syndrome. Last evaluated: 2022-10-31. Review status: criteria provided, single submitter. Criteria: Invitae Variant Classification Sherloc (09022015). Collection method: clinical testing. Allele origin: germline.
Comment: Advanced modeling of protein sequence and biophysical properties (such as structural, functional, and spatial information, amino acid conservation, physicochemical variation, residue mobility, and thermodynamic stability) performed at Invitae indicates that this missense variant is expected to disrupt RAD50 protein function. This sequence change replaces aspartic acid, which is acidic and polar, with valine, which is neutral and non-polar, at codon 161 of the RAD50 protein (p.Asp161Val). ClinVar contains an entry for this variant (Variation ID: 639921). This variant has not been reported in the literature in individuals affected with RAD50-related conditions. This variant is not present in population databases (gnomAD no frequency). In summary, the available evidence is currently insufficient to determine the role of this variant in disease. Therefore, it has been classified as a Variant of Uncertain Significance.

NM_005732.4(RAD50):c.482A>T (p.Asp161Val)

Gene: RAD50 (RAD50 double strand break repair protein; plus strand). Cytogenetic location: 5q31.1.
Variant type: single nucleotide variant.
Coding change: c.482A>T on transcript NM_005732.4 (MANE Select); coding-DNA position 482, A replaced by T.
Protein change: p.Asp161Val; replaces aspartic acid 161 with valine.
Molecular consequence: missense variant.
Genome position (GRCh38, 1-based): chr5:132,579,433, A>T. VCF-style: chr5-132579433-A-T. GRCh37 (hg19) VCF-style: chr5-131915125-A-T.
Other names: short protein forms D161V.
Identifiers: ClinVar variation 639921 (VCV000639921.11), dbSNP rs1580987282, ClinGen allele CA360934507.